The following is an entry in ClinVar:

NM_014639.4(SKIC3):c.154G>T (p.Glu52Ter)

Gene: SKIC3 (SKI3 subunit of superkiller complex; minus strand). Cytogenetic location: 5q15.
Variant type: single nucleotide variant.
Coding change: c.154G>T on transcript NM_014639.4 (MANE Select); coding-DNA position 154, G replaced by T.
Protein change: p.Glu52Ter; replaces glutamic acid 52 with a stop codon.
Molecular consequence: nonsense.
Genome position (GRCh38, 1-based): chr5:95,543,264, C>A on the plus strand (G>T on the coding strand, the complement: SKIC3 is on the minus strand). VCF-style: chr5-95543264-C-A. GRCh37 (hg19) VCF-style: chr5-94878968-C-A.
Other names: short protein forms E52*.
Identifiers: ClinVar variation 3382202 (VCV003382202.2).

ClinVar aggregate classification (germline): Pathogenic (1 of 4 stars; one submission).

Conditions:
Trichohepatoenteric syndrome 1 (THES1). Also called: DIARRHEA, FATAL INFANTILE, WITH TRICHORRHEXIS NODOSA. Identifiers: Orphanet 84064, MedGen C4551982, MONDO:0024541, OMIM 222470.

Submission:

Juno Genomics, Hangzhou Juno Genomics, Inc
Classification: Pathogenic for Trichohepatoenteric syndrome 1. Review status: criteria provided, single submitter. Criteria: ACMG Guidelines, 2015. Collection method: clinical testing. Allele origin: germline. Affected: yes.
Comment: Absent from controls (or at extremely low frequency if recessive) in Genome Aggregation Database, Exome Sequencing Project, 1000 Genomes Project, or Exome Aggregation Consortium.;Null variant in a gene where loss of function (LOF) is a known mechanism of disease.;For recessive disorders, detected in trans with a pathogenic variant.